The following is an entry in ClinVar:

ClinVar aggregate classification (germline): Pathogenic (1 of 4 stars; one submission).

Conditions:
Fanconi anemia (FA). Also called: Fanconi's anemia. Identifiers: Orphanet 84, MedGen C0015625, MeSH D005199, MONDO:0019391.

Submission:

Labcorp Genetics (formerly Invitae), Labcorp
Classification: Pathogenic for Fanconi anemia. Last evaluated: 2022-12-01. Review status: criteria provided, single submitter. Criteria: Invitae Variant Classification Sherloc (09022015). Collection method: clinical testing. Allele origin: unknown.
Comment: For these reasons, this variant has been classified as Pathogenic. This variant has not been reported in the literature in individuals affected with FANCI-related conditions. This variant is a gross deletion of the genomic region encompassing exon(s) 2-9 of the FANCI gene, which includes the initiator codon. This deletion extends beyond the assayed region for this gene and therefore may encompass additional genes. It is expected to result in an absent or disrupted protein product. Loss-of-function variants in FANCI are known to be pathogenic (PMID: 17452773, 17460694).

Literature cited by the submitters: PubMed 17452773; PubMed 17460694.

NC_000015.9:g.(?_89790879)_(89807858_?)del

Gene: FANCI (FA complementation group I; plus strand). Cytogenetic location: 15q26.1.
Variant type: Deletion.
Identifiers: ClinVar variation 3243703 (VCV003243703.1).